The following is an entry in ClinVar:

NM_000059.4(BRCA2):c.1938C>T (p.Ser646=)

Gene: BRCA2 (BRCA2 DNA repair associated; plus strand). Cytogenetic location: 13q13.1.
Variant type: single nucleotide variant.
Coding change: c.1938C>T on transcript NM_000059.4 (MANE Select); coding-DNA position 1938, C replaced by T.
Protein change: p.Ser646=; no amino-acid change (serine 646 retained).
Molecular consequence: synonymous variant.
Genome position (GRCh38, 1-based): chr13:32,336,293, C>T. VCF-style: chr13-32336293-C-T. GRCh37 (hg19) VCF-style: chr13-32910430-C-T.
Other names: 2166C/T; p.S646S:AGC>AGT.
Identifiers: ClinVar variation 51230 (VCV000051230.101), dbSNP rs28897711, ClinGen allele CA013981.

ClinVar aggregate classification (germline): Benign. Review status: reviewed by expert panel (3 of 4 stars). 32 submissions from 32 submitters: Benign (1). 31 of the submissions do not count toward it. Last evaluated 2017-06-29.

Conditions:
Hereditary cancer-predisposing syndrome. Also called: Hereditary Cancer Syndrome; Tumor predisposition; Neoplastic Syndromes, Hereditary; Hereditary neoplastic syndrome. Identifiers: Orphanet 140162, MedGen C0027672, MeSH D009386, MONDO:0015356.
Prostate cancer. Also called: Malignant tumor of prostate. Identifiers: Orphanet 1331, MedGen C0376358, MONDO:0008315, HP:0012125.
Medulloblastoma (MDB). Also called: MEDULLOBLASTOMA PREDISPOSITION SYNDROME; Medulloblastoma, somatic. Identifiers: Orphanet 616, MedGen C0025149, MeSH D008527, MONDO:0007959, OMIM 155255, HP:0002885.
Breast-ovarian cancer, familial, susceptibility to, 2 (BROVCA2). Also called: BRCA2 Hereditary Breast and Ovarian Cancer. Identifiers: Orphanet 145, MedGen C2675520, MONDO:0012933, OMIM 612555. Disease mechanism: loss of function.
Fanconi anemia complementation group D1. Also called: BRCA2-Related Fanconi Anemia. Identifiers: Orphanet 319462, MedGen C1838457, MONDO:0011584, OMIM 605724.
Wilms tumor 1 (WT1). Also called: Wilms tumor, somatic. Identifiers: Orphanet 654, MedGen CN033288, MONDO:0008679, OMIM 194070.
Pancreatic cancer, susceptibility to, 2. Identifiers: Orphanet 1333, MedGen C3150546, MONDO:0013235, OMIM 613347.
Glioma susceptibility 3 (GLM3). Also called: Glioblastoma 3. Identifiers: Orphanet 182067, Orphanet 360, MedGen C2751641, MONDO:0013093, OMIM 613029.
Familial cancer of breast. Also called: BREAST CANCER, FAMILIAL; hereditary breast carcinoma; Hereditary breast cancer. Identifiers: Orphanet 227535, MedGen C0346153, MONDO:0016419, OMIM 114480. Disease mechanism: loss of function.
Breast and/or ovarian cancer. Identifiers: MedGen CN221562.
Hereditary breast ovarian cancer syndrome. Also called: Breast and ovarian cancer; BRCA1- and BRCA2-Associated Hereditary Breast and Ovarian Cancer; Hereditary breast and ovarian cancer; Hereditary breast and ovarian cancer syndrome (HBOC); Hereditary breast and ovarian cancer syndrome; Hereditary breast and/or ovarian cancer syndrome. Identifiers: Orphanet 145, MedGen C0677776, MeSH D061325, MONDO:0003582. Disease mechanism: loss of function.

Allele frequency attached by ClinVar (database versions not stated): 1000 Genomes Project 30x 0.00031; 1000 Genomes Project 0.00040; TOPMed 0.00088; ExAC 0.00092; gnomAD 0.00092 and 0.00096; ESP Exome Variant Server 0.00100; gnomAD exomes 0.00101 and 0.00129.
gnomAD v4.1: 2,013 of 1,603,172 alleles (0.13%); highest among the groups gnomAD compares: Non-Finnish European, 0.14%; 5 homozygotes.

Submissions 1 to 22 of 32:

Evidence-based Network for the Interpretation of Germline Mutant Alleles (ENIGMA)
Classification: Benign for Breast-ovarian cancer, familial, susceptibility to, 2. Last evaluated: 2017-06-29. Review status: reviewed by expert panel. Criteria: ENIGMA BRCA1/2 Classification Criteria (2017-06-29). Collection method: curation. Allele origin: germline.
Comment: Synonymous substitution variant, with low bioinformatic likelihood to alter mRNA splicing (splicing prior 0.02) and frequency 0.0014 (Non-Finnish European), derived from ExAC (2014-12-17).

CeGaT Center for Human Genetics Tuebingen
Classification: Likely benign. Last evaluated: 2026-04-01. Review status: criteria provided, single submitter. Criteria: CeGaT Center For Human Genetics Tuebingen Variant Classification Criteria Version 2. Collection method: clinical testing. Allele origin: germline. Affected: yes. Observed: 22 variant alleles. Not counted in ClinVar's aggregate classification.
Comment: BRCA2: BP4, BP7

Labcorp Genetics (formerly Invitae), Labcorp
Classification: Benign for Hereditary breast ovarian cancer syndrome. Last evaluated: 2026-02-03. Review status: criteria provided, single submitter. Criteria: Invitae Variant Classification Sherloc (09022015). Collection method: clinical testing. Allele origin: germline. Not counted in ClinVar's aggregate classification.

ARUP Laboratories, Molecular Genetics and Genomics, ARUP Laboratories
Classification: Benign. Last evaluated: 2025-07-21. Review status: criteria provided, single submitter. Criteria: ARUP Molecular Germline Variant Investigation Process 2024. Collection method: clinical testing. Allele origin: germline. Not counted in ClinVar's aggregate classification.

Center for Genomic Medicine, Rigshospitalet, Copenhagen University Hospital
Classification: Benign. Last evaluated: 2025-03-04. Review status: criteria provided, single submitter. Criteria: ACMG Guidelines, 2015. Collection method: clinical testing. Allele origin: germline. Not counted in ClinVar's aggregate classification.

Blueprint Genetics
Classification: Likely benign. Last evaluated: 2024-11-07. Review status: criteria provided, single submitter. Criteria: ACMG Guidelines, 2015. Collection method: clinical testing. Allele origin: germline. Not counted in ClinVar's aggregate classification.

Fulgent Genetics
Classification: Likely benign for Familial cancer of breast; Medulloblastoma; Familial prostate cancer; Wilms tumor 1; Fanconi anemia complementation group D1; Breast-ovarian cancer, familial, susceptibility to, 2; Glioma susceptibility 3; Pancreatic cancer, susceptibility to, 2. Last evaluated: 2022-03-29. Review status: criteria provided, single submitter. Criteria: ACMG Guidelines, 2015. Collection method: clinical testing. Allele origin: unknown. Not counted in ClinVar's aggregate classification.

Sema4
Classification: Benign for Hereditary cancer-predisposing syndrome. Last evaluated: 2020-10-23. Review status: criteria provided, single submitter. Criteria: Sema4 Curation Guidelines. Collection method: curation. Allele origin: germline. Not counted in ClinVar's aggregate classification.

CHEO Genetics Diagnostic Laboratory, Children's Hospital of Eastern Ontario
Classification: Benign for Breast and/or ovarian cancer. Last evaluated: 2020-05-15. Review status: criteria provided, single submitter. Criteria: ACMG Guidelines, 2015. Collection method: clinical testing. Allele origin: germline. Study: Canadian Open Genetics Repository. Not counted in ClinVar's aggregate classification.

Mendelics
Classification: Likely benign for Breast-ovarian cancer, familial, susceptibility to, 2. Last evaluated: 2019-05-28. Review status: criteria provided, single submitter. Criteria: Mendelics Assertion Criteria 2017. Collection method: clinical testing. Allele origin: unknown. Not counted in ClinVar's aggregate classification.

Cancer Genetics and Genomics Laboratory, British Columbia Cancer Agency
Classification: Benign. Last evaluated: 2017-04-18. Review status: criteria provided, single submitter. Criteria: ACMG Guidelines, 2015. Collection method: clinical testing. Allele origin: germline. Study: The Canadian Open Genetics Repository (COGR). Not counted in ClinVar's aggregate classification.

Baylor Genetics
Classification: Benign for Familial cancer of breast. Last evaluated: 2017-02-23. Review status: criteria provided, single submitter. Criteria: ACMG Guidelines, 2015. Collection method: clinical testing. Allele origin: germline. Inheritance: Autosomal dominant inheritance. Affected: no. Not counted in ClinVar's aggregate classification.

PreventionGenetics, part of Exact Sciences
Classification: Likely benign. Last evaluated: 2016-11-23. Review status: criteria provided, single submitter. Criteria: ACMG Guidelines, 2015. Collection method: clinical testing. Allele origin: germline. Not counted in ClinVar's aggregate classification.

Genetic Services Laboratory, University of Chicago
Classification: Likely benign. Last evaluated: 2016-05-16. Review status: criteria provided, single submitter. Criteria: ACMG Guidelines, 2015. Collection method: clinical testing. Allele origin: germline. Affected: no. Not counted in ClinVar's aggregate classification.

Molecular Genetics Laboratory, University of Michigan
Classification: Benign for Breast-ovarian cancer, familial, susceptibility to, 2. Last evaluated: 2016-04-21. Review status: criteria provided, single submitter. Criteria: ACMG Guidelines, 2015. Collection method: clinical testing. Allele origin: germline. Affected: yes. Not counted in ClinVar's aggregate classification.

Clinical Genetics DNA and cytogenetics Diagnostics Lab, Erasmus MC, Erasmus Medical Center
Classification: Benign for Breast-ovarian cancer, familial, susceptibility to, 2. Last evaluated: 2015-09-21. Review status: criteria provided, single submitter. Criteria: ACGS Guidelines, 2013. Collection method: clinical testing. Allele origin: germline. Affected: yes. Study: VKGL Data-share Consensus. Not counted in ClinVar's aggregate classification.

Color Diagnostics, LLC DBA Color Health
Classification: Benign for Hereditary cancer-predisposing syndrome. Last evaluated: 2015-03-31. Review status: criteria provided, single submitter. Criteria: ACMG Guidelines, 2015. Collection method: clinical testing. Allele origin: germline. Not counted in ClinVar's aggregate classification.

Eurofins Ntd Llc (ga)
Classification: Benign. Last evaluated: 2014-12-22. Review status: criteria provided, single submitter. Criteria: EGL Classification Definitions 2015. Collection method: clinical testing. Allele origin: germline. Observed: 3 variant alleles, 3 heterozygotes. Not counted in ClinVar's aggregate classification.

Ambry Genetics
Classification: Likely benign for Hereditary cancer-predisposing syndrome. Last evaluated: 2014-06-19. Review status: criteria provided, single submitter. Criteria: Ambry Variant Classification Scheme 2023. Collection method: clinical testing. Allele origin: germline. Not counted in ClinVar's aggregate classification.

Women's Health and Genetics/Laboratory Corporation of America, LabCorp
Classification: Benign for Hereditary breast ovarian cancer syndrome. Last evaluated: 2014-05-16. Review status: criteria provided, single submitter. Criteria: LabCorp Variant Classification Summary - May 2015. Collection method: clinical testing. Allele origin: germline. Not counted in ClinVar's aggregate classification.

GeneDx
Classification: Benign. Last evaluated: 2013-12-04. Review status: criteria provided, single submitter. Criteria: GeneDx Variant Classification (06012015). Collection method: clinical testing. Allele origin: germline. Affected: yes. Not counted in ClinVar's aggregate classification.
Comment: This variant is considered likely benign or benign based on one or more of the following criteria: it is a conservative change, it occurs at a poorly conserved position in the protein, it is predicted to be benign by multiple in silico algorithms, and/or has population frequency not consistent with disease.

Breakthrough Genomics
Classification: Benign. Review status: criteria provided, single submitter. Criteria: ACMG Guidelines, 2015. Collection method: not provided. Allele origin: germline. Inheritance: Autosomal recessive inheritance. Affected: yes. Not counted in ClinVar's aggregate classification.